The following is an entry in ClinVar:

NM_003172.4(SURF1):c.751+1G>A

Gene: SURF1 (SURF1 cytochrome c oxidase assembly factor; minus strand). Cytogenetic location: 9q34.2.
Variant type: single nucleotide variant.
Coding change: c.751+1G>A on transcript NM_003172.4 (MANE Select); the canonical splice donor site of the intron after coding-DNA position 751, G replaced by A.
Molecular consequence: splice donor variant.
Genome position (GRCh38, 1-based): chr9:133,352,445, C>T on the plus strand (G>A on the coding strand, the complement: SURF1 is on the minus strand). VCF-style: chr9-133352445-C-T. GRCh37 (hg19) VCF-style: chr9-136219300-C-T.
Other names: c.424+1G>A (NM_001280787.1).
Identifiers: ClinVar variation 2081237 (VCV002081237.8), dbSNP rs782405164, ClinGen allele CA200832313.
Genomic context (GRCh38, chr9:133,352,445, plus strand): 5'-AGGAGGAAGGACAGTATTCACAAAAGCTACTTGTTCCGAGATGGGCTGGTCCACAACGTA[C>T]GGAAGTTGGCATCAATGAAGATGGGCTCTGCGCCTGTGATTCTGGCCATAGCTTCCAGGT-3'

ClinVar aggregate classification (germline): Pathogenic. Review status: criteria provided, multiple submitters, no conflicts (2 of 4 stars). 4 submissions from 4 submitters: Pathogenic (4). Last evaluated 2025-09-25.

Conditions:
SURF1-related disorder. Also called: SURF1-related condition.
Charcot-Marie-Tooth disease type 4K. Also called: CHARCOT-MARIE-TOOTH DISEASE, DEMYELINATING, TYPE 4K; CHARCOT-MARIE-TOOTH DISEASE, DEMYELINATING, AUTOSOMAL RECESSIVE, TYPE 4K; CHARCOT-MARIE-TOOTH NEUROPATHY, DEMYELINATING, AUTOSOMAL RECESSIVE, TYPE 4K. Identifiers: Orphanet 391351, MedGen C4225246, MONDO:0014733, OMIM 616684.
Mitochondrial complex IV deficiency, nuclear type 1 (MC4DN1). Also called: COX DEFICIENCY; Mitochondrial complex IV deficiency; Complex 4 mitochondrial respiratory chain deficiency; Deficiency of mitochondrial respiratory chain complex4; Complex IV deficiency. Identifiers: MedGen C5435656, MONDO:0700250, OMIM 220110. Disease mechanism: loss of function.
Leigh syndrome (NULS). Also called: Leigh's syndrome; Leigh Disease; Leigh's necrotizing encephalopathy; Leigh's disease; Leigh Syndrome (mtDNA deletion); Subacute necrotizing encephalopathy. Identifiers: Orphanet 506, MedGen C2931891, MONDO:0009723, OMIM 256000.

Allele frequency attached by ClinVar (database versions not stated): gnomAD 0.00001; TOPMed 0.00001.
gnomAD v4.1: 18 of 1,614,096 alleles (0.0011%); highest among the groups gnomAD compares: East Asian, 0.0022%; no homozygotes.

Submissions (4):

Mayo Clinic Laboratories, Mayo Clinic
Classification: Pathogenic. Last evaluated: 2025-09-25. Review status: criteria provided, single submitter. Criteria: ACMG Guidelines, 2015. Collection method: clinical testing. Allele origin: germline. Observed: 1 variant allele.
Comment: PM2_supporting, PM3_strong, PVS1_strong

Labcorp Genetics (formerly Invitae), Labcorp
Classification: Pathogenic for Leigh syndrome. Last evaluated: 2024-11-15. Review status: criteria provided, single submitter. Criteria: Invitae Variant Classification Sherloc (09022015). Collection method: clinical testing. Allele origin: germline.
Comment: This sequence change affects a donor splice site in intron 7 of the SURF1 gene. It is expected to disrupt RNA splicing. Variants that disrupt the donor or acceptor splice site typically lead to a loss of protein function (PMID: 16199547), and loss-of-function variants in SURF1 are known to be pathogenic (PMID: 10443880, 22488715, 24027061). This variant is present in population databases (rs782405164, gnomAD 0.004%). Disruption of this splice site has been observed in individuals with SURF1-related conditions (PMID: 14557577, 28639102). ClinVar contains an entry for this variant (Variation ID: 2081237). Algorithms developed to predict the effect of sequence changes on RNA splicing suggest that this variant may disrupt the consensus splice site. For these reasons, this variant has been classified as Pathogenic.

Blueprint Genetics
Classification: Pathogenic for SURF1-related disorders. Last evaluated: 2023-08-22. Review status: criteria provided, single submitter. Criteria: ACMG Guidelines, 2015. Collection method: clinical testing. Allele origin: germline. Affected: yes. Observed: 2 variant alleles.

Juno Genomics, Hangzhou Juno Genomics, Inc
Classification: Pathogenic for Charcot-Marie-Tooth disease type 4K; Mitochondrial complex IV deficiency, nuclear type 1. Review status: criteria provided, single submitter. Criteria: ACMG Guidelines, 2015. Collection method: clinical testing. Allele origin: germline.
Comment: Absent from controls (or at extremely low frequency if recessive) in Genome Aggregation Database.;Null variant in a gene where loss of function (LOF) is a known mechanism of disease.;For recessive disorders, detected in trans with a pathogenic variant.

Literature cited by the submitters: PubMed 14557577 (cited by Mayo Clinic Laboratories, Mayo Clinic and Labcorp Genetics (formerly Invitae), Labcorp); PubMed 28639102 (cited by Mayo Clinic Laboratories, Mayo Clinic and Labcorp Genetics (formerly Invitae), Labcorp); PubMed 33134083 (cited by Mayo Clinic Laboratories, Mayo Clinic); PubMed 35094435 (cited by Mayo Clinic Laboratories, Mayo Clinic); PubMed 36675121 (cited by Mayo Clinic Laboratories, Mayo Clinic); PubMed 16199547 (cited by Labcorp Genetics (formerly Invitae), Labcorp); PubMed 10443880 (cited by Labcorp Genetics (formerly Invitae), Labcorp); PubMed 22488715 (cited by Labcorp Genetics (formerly Invitae), Labcorp); PubMed 24027061 (cited by Labcorp Genetics (formerly Invitae), Labcorp).